The following is an entry in ClinVar:

NM_005732.4(RAD50):c.2918A>C (p.Lys973Thr)

Gene: RAD50 (RAD50 double strand break repair protein; plus strand). Cytogenetic location: 5q31.1.
Variant type: single nucleotide variant.
Coding change: c.2918A>C on transcript NM_005732.4 (MANE Select); coding-DNA position 2918, A replaced by C.
Protein change: p.Lys973Thr; replaces lysine 973 with threonine.
Molecular consequence: missense variant.
Genome position (GRCh38, 1-based): chr5:132,609,205, A>C. VCF-style: chr5-132609205-A-C. GRCh37 (hg19) VCF-style: chr5-131944897-A-C.
Other names: short protein forms K973T.
Identifiers: ClinVar variation 4678236 (VCV004678236.1).

ClinVar aggregate classification (germline): Uncertain significance (1 of 4 stars; one submission).

Conditions:
Hereditary cancer-predisposing syndrome. Also called: Neoplastic Syndromes, Hereditary; Tumor predisposition; Hereditary Cancer Syndrome; Hereditary neoplastic syndrome. Identifiers: Orphanet 140162, MedGen C0027672, MeSH D009386, MONDO:0015356.

Submission:

Ambry Genetics
Classification: Uncertain significance for Hereditary cancer-predisposing syndrome. Last evaluated: 2025-12-07. Review status: criteria provided, single submitter. Criteria: Ambry Variant Classification Scheme 2023. Collection method: clinical testing. Allele origin: germline.
Comment: The p.K973T variant (also known as c.2918A>C), located in coding exon 18 of the RAD50 gene, results from an A to C substitution at nucleotide position 2918. The lysine at codon 973 is replaced by threonine, an amino acid with similar properties. This amino acid position is conserved. In addition, the in silico prediction for this alteration is inconclusive. Based on the available evidence, the clinical significance of this variant remains unclear.